The following is an entry in ClinVar:

ClinVar aggregate classification (germline): Uncertain significance (1 of 4 stars; one submission).

Conditions:
Charcot-Marie-Tooth disease type 2. Also called: Charcot-Marie-Tooth type 2. Identifiers: Orphanet 64746, MedGen C0270914, MONDO:0018993.

Submission:

Labcorp Genetics (formerly Invitae), Labcorp
Classification: Uncertain significance for Charcot-Marie-Tooth disease type 2. Last evaluated: 2025-12-23. Review status: criteria provided, single submitter. Criteria: Invitae Variant Classification Sherloc (09022015). Collection method: clinical testing. Allele origin: germline.
Comment: This sequence change replaces valine, which is neutral and non-polar, with methionine, which is neutral and non-polar, at codon 629 of the LMNA protein (p.Val629Met). This variant is not present in population databases (gnomAD no frequency). This variant has not been reported in the literature in individuals affected with LMNA-related conditions. ClinVar contains an entry for this variant (Variation ID: 1063141). Invitae Evidence Modeling of protein sequence and biophysical properties (such as structural, functional, and spatial information, amino acid conservation, physicochemical variation, residue mobility, and thermodynamic stability) has been performed for this missense variant. However, the output from this modeling did not meet the statistical confidence thresholds required to predict the impact of this variant on LMNA protein function. In summary, the available evidence is currently insufficient to determine the role of this variant in disease. Therefore, it has been classified as a Variant of Uncertain Significance.

NM_170707.4(LMNA):c.1885G>A (p.Val629Met)

Gene: LMNA (lamin A/C; plus strand). Cytogenetic location: 1q22.
Variant type: single nucleotide variant.
Coding change: c.1885G>A on transcript NM_170707.4 (MANE Select); coding-DNA position 1885, G replaced by A.
Protein change: p.Val629Met; replaces valine 629 with methionine.
Molecular consequence: missense variant. On other transcripts: intron variant (1).
Genome position (GRCh38, 1-based): chr1:156,138,674, G>A. VCF-style: chr1-156138674-G-A. GRCh37 (hg19) VCF-style: chr1-156108465-G-A.
Other names: c.1549G>A, p.Val517Met (NM_001257374.3); c.1795G>A, p.Val599Met (NM_170708.4); c.1818+67G>A (NM_001282626.2); short protein forms V517M, V599M, V629M.
Identifiers: ClinVar variation 1063141 (VCV001063141.9), dbSNP rs1288315740, ClinGen allele CA342827618.